The following is an entry in ClinVar:

NM_199437.2(PRDM10):c.3098A>C (p.Gln1033Pro)

Gene: PRDM10 (PR/SET domain 10; minus strand). Cytogenetic location: 11q24.3.
Variant type: single nucleotide variant.
Coding change: c.3098A>C on transcript NM_199437.2 (MANE Select); coding-DNA position 3098, A replaced by C.
Protein change: p.Gln1033Pro; replaces glutamine 1033 with proline.
Molecular consequence: missense variant.
Genome position (GRCh38, 1-based): chr11:129,910,541, T>G on the plus strand (A>C on the coding strand, the complement: PRDM10 is on the minus strand). VCF-style: chr11-129910541-T-G. GRCh37 (hg19) VCF-style: chr11-129780436-T-G.
Other names: c.2750A>C, p.Gln917Pro (NM_001367890.1); c.3038A>C, p.Gln1013Pro (NM_001367891.1); c.3044A>C, p.Gln1015Pro (NM_001367892.1); c.3071A>C, p.Gln1024Pro (NM_001367893.1); c.2711A>C, p.Gln904Pro (NM_001367894.1); c.2210A>C, p.Gln737Pro (NM_001367895.1); c.2249A>C, p.Gln750Pro (NM_001367896.1); c.2261A>C, p.Gln754Pro (NM_001367897.1); and 5 more; short protein forms Q1013P, Q1015P, Q1024P, Q1033P, Q1037P, Q737P, Q750P, Q754P.
Identifiers: ClinVar variation 2642544 (VCV002642544.24), dbSNP rs141740226, ClinGen allele CA6361612.

ClinVar aggregate classification (germline): Likely benign (1 of 4 stars; one submission).

Allele frequency attached by ClinVar (database versions not stated): 1000 Genomes Project 0.00200; gnomAD 0.00215; TOPMed 0.00241; ExAC 0.00293; ESP Exome Variant Server 0.00315; gnomAD exomes 0.00318.
gnomAD v4.1: 5,022 of 1,613,372 alleles (0.31%); highest among the groups gnomAD compares: Middle Eastern, 1.1%; 26 homozygotes.

Submission:

CeGaT Center for Human Genetics Tuebingen
Classification: Likely benign. Last evaluated: 2024-10-01. Review status: criteria provided, single submitter. Criteria: CeGaT Center For Human Genetics Tuebingen Variant Classification Criteria Version 2. Collection method: clinical testing. Allele origin: germline. Affected: yes. Observed: 2 variant alleles.
Comment: PRDM10: BP4, BS2